The following is an entry in ClinVar:

ClinVar aggregate classification (germline): Pathogenic. Review status: criteria provided, multiple submitters, no conflicts (2 of 4 stars). 2 submissions from 2 submitters: Pathogenic (2). Last evaluated 2025-02-03.

Conditions:
Autosomal recessive limb-girdle muscular dystrophy type 2J (LGMDR10). Also called: Limb-girdle muscular dystrophy, type 2J; MUSCULAR DYSTROPHY, LIMB-GIRDLE, AUTOSOMAL RECESSIVE 10. Identifiers: Orphanet 140922, MedGen C1837342, MONDO:0012127, OMIM 608807.
Dilated cardiomyopathy 1G (CMD1G). Identifiers: Orphanet 154, MedGen C1858763, MONDO:0011400, OMIM 604145.

Submissions (2):

Labcorp Genetics (formerly Invitae), Labcorp
Classification: Pathogenic for Dilated cardiomyopathy 1G; Autosomal recessive limb-girdle muscular dystrophy type 2J. Last evaluated: 2025-02-03. Review status: criteria provided, single submitter. Criteria: Invitae Variant Classification Sherloc (09022015). Collection method: clinical testing. Allele origin: germline.
Comment: This sequence change creates a premature translational stop signal (p.Phe7382*) in the TTN gene. While this is not anticipated to result in nonsense mediated decay, it is expected to create a truncated TTN protein. This variant is not present in population databases (gnomAD no frequency). This premature translational stop signal has been observed in individual(s) with limb-girdle muscular dystrophy (internal data). ClinVar contains an entry for this variant (Variation ID: 198657). This variant is located in the I band of TTN (PMID: 25589632). Truncating variants in this region have been reported in individuals affected with autosomal recessive centronuclear myopathy (PMID: 23975875, internal data). Truncating variants in this region have also been identified in individuals affected with autosomal dominant dilated cardiomyopathy and/or cardio-related conditions (PMID: 27869827, 32964742, internal data). For these reasons, this variant has been classified as Pathogenic.

Eurofins Ntd Llc (ga)
Classification: Pathogenic. Last evaluated: 2015-12-10. Review status: criteria provided, single submitter. Criteria: EGL Classification Definitions. Collection method: clinical testing. Allele origin: germline. Observed: 4 variant alleles, 4 heterozygotes.

Literature cited by the submitters: PubMed 25589632 (cited by Labcorp Genetics (formerly Invitae), Labcorp); PubMed 23975875 (cited by Labcorp Genetics (formerly Invitae), Labcorp); PubMed 27869827 (cited by Labcorp Genetics (formerly Invitae), Labcorp); PubMed 32964742 (cited by Labcorp Genetics (formerly Invitae), Labcorp).

NM_001267550.2(TTN):c.22145_22146del (p.Val7381_Phe7382insTer)

Gene: TTN (titin; minus strand). Cytogenetic location: 2q31.2.
Variant type: Deletion.
Coding change: c.22145_22146del on transcript NM_001267550.2 (MANE Select); coding-DNA positions 22145 to 22146, 2 bases deleted (TT; older notation c.22145_22146delTT).
Protein change: p.Val7381_Phe7382insTer.
Molecular consequence: nonsense. On other transcripts: intron variant (3).
Genome position (GRCh38, 1-based): chr2:178,722,753-178,722,754, AA deleted on the plus strand (TT on the coding strand, the reverse complement: TTN is on the minus strand); deleting any 2 consecutive bases within chr2:178,722,753-178,722,757 gives the same sequence; the c. name uses the placement nearest the transcript's 3' end. VCF-style (leftmost placement, unchanged base first): chr2-178722752-TAA-T. GRCh37 (hg19) VCF-style: chr2-179587479-TAA-T.
Other names: c.21194_21195del, p.Val7064_Phe7065insTer (NM_001256850.1); c.18413_18414del, p.Val6137_Phe6138insTer (NM_133378.4); c.13282+15328_13282+15329del (NM_003319.4); c.13858+15328_13858+15329del (NM_133437.4); c.13657+15328_13657+15329del (NM_133432.3).
Identifiers: ClinVar variation 198657 (VCV000198657.11), dbSNP rs794727888, ClinGen allele CA247440.